The following is an entry in ClinVar:

NM_017841.4(SDHAF2):c.50C>T (p.Ser17Leu)

Gene: SDHAF2 (succinate dehydrogenase complex assembly factor 2; plus strand). Cytogenetic location: 11q12.2.
Variant type: single nucleotide variant.
Coding change: c.50C>T on transcript NM_017841.4 (MANE Select); coding-DNA position 50, C replaced by T.
Protein change: p.Ser17Leu; replaces serine 17 with leucine.
Molecular consequence: missense variant.
Genome position (GRCh38, 1-based): chr11:61,437,638, C>T. VCF-style: chr11-61437638-C-T. GRCh37 (hg19) VCF-style: chr11-61205110-C-T.
Other names: short protein forms S17L.
Identifiers: ClinVar variation 2746114 (VCV002746114.5), dbSNP rs1216278309, ClinGen allele CA380682790.

ClinVar aggregate classification (germline): Uncertain significance. Review status: criteria provided, multiple submitters, no conflicts (2 of 4 stars). 3 submissions from 3 submitters: Uncertain significance (3). Last evaluated 2026-02-24.

Conditions:
Hereditary cancer-predisposing syndrome. Also called: Hereditary neoplastic syndrome; Neoplastic Syndromes, Hereditary; Tumor predisposition; Hereditary Cancer Syndrome. Identifiers: Orphanet 140162, MedGen C0027672, MeSH D009386, MONDO:0015356.
Hereditary pheochromocytoma and paraganglioma. Also called: Hereditary Paraganglioma-Pheochromocytoma Syndromes; Hereditary pheochromocytoma-paraganglioma; Hereditary paragangliomas and pheochromocytomas. Identifiers: Orphanet 29072, MedGen C4274332, MONDO:0017366.

Allele frequency attached by ClinVar (database versions not stated): TOPMed 0.00001.

Submissions (3):

Ambry Genetics
Classification: Uncertain significance for Hereditary cancer-predisposing syndrome. Last evaluated: 2026-02-24. Review status: criteria provided, single submitter. Criteria: Ambry Variant Classification Scheme 2023. Collection method: clinical testing. Allele origin: germline.
Comment: The p.S17L variant (also known as c.50C>T), located in coding exon 2 of the SDHAF2 gene, results from a C to T substitution at nucleotide position 50. The serine at codon 17 is replaced by leucine, an amino acid with dissimilar properties. This amino acid position is conserved. In addition, the in silico prediction for this alteration is inconclusive. Based on the available evidence, the clinical significance of this variant remains unclear.

Labcorp Genetics (formerly Invitae), Labcorp
Classification: Uncertain significance for Hereditary pheochromocytoma and paraganglioma. Last evaluated: 2025-11-25. Review status: criteria provided, single submitter. Criteria: Invitae Variant Classification Sherloc (09022015). Collection method: clinical testing. Allele origin: germline.
Comment: This sequence change replaces serine, which is neutral and polar, with leucine, which is neutral and non-polar, at codon 17 of the SDHAF2 protein (p.Ser17Leu). This variant is not present in population databases (gnomAD no frequency). This variant has not been reported in the literature in individuals affected with SDHAF2-related conditions. ClinVar contains an entry for this variant (Variation ID: 2746114). An algorithm developed to predict the effect of missense changes on protein structure and function (PolyPhen-2) suggests that this variant is likely to be tolerated. In summary, the available evidence is currently insufficient to determine the role of this variant in disease. Therefore, it has been classified as a Variant of Uncertain Significance.

All of Us Research Program, National Institutes of Health
Classification: Uncertain significance for Hereditary pheochromocytoma and paraganglioma. Last evaluated: 2023-12-01. Review status: criteria provided, single submitter. Criteria: ACMG Guidelines, 2015. Collection method: clinical testing. Allele origin: germline. Inheritance: Autosomal dominant inheritance. Observed: 1 variant allele, 1 heterozygote.
Comment: This study involves interpretation of variants in research participants for the purpose of population health screening. Participant phenotype was not available at the time of variant classification. Additional details can be found in publication PMID: 35346344, PMCID: PMC8962531